The following is an entry in ClinVar:

NC_000009.11:g.(?_130221262)_(130224672_?)del

Gene: LRSAM1 (leucine rich repeat and sterile alpha motif containing 1; plus strand). Cytogenetic location: 9q33.3.
Variant type: Deletion.
Identifiers: ClinVar variation 2427231 (VCV002427231.4).

ClinVar aggregate classification (germline): Uncertain significance (1 of 4 stars; one submission).

Conditions:
Charcot-Marie-Tooth disease axonal type 2P. Also called: CHARCOT-MARIE-TOOTH NEUROPATHY, TYPE 2P; Charcot-Marie-Tooth Neuropathy Type 2G; CHARCOT-MARIE-TOOTH DISEASE, AXONAL, TYPE 2G; CMT 2G. Identifiers: Orphanet 300319, Orphanet 99941, MedGen C3280797, MONDO:0013753, OMIM 614436.

Submission:

Labcorp Genetics (formerly Invitae), Labcorp
Classification: Uncertain significance for Charcot-Marie-Tooth disease axonal type 2P. Last evaluated: 2022-04-11. Review status: criteria provided, single submitter. Criteria: Invitae Variant Classification Sherloc (09022015). Collection method: clinical testing. Allele origin: germline.
Comment: This variant is a gross deletion of the genomic region encompassing exon(s) 6-8 of the LRSAM1 gene. This variant would be expected to be in-frame, preserving the integrity of the reading frame. This variant has not been reported in the literature in individuals affected with LRSAM1-related conditions. Experimental studies and prediction algorithms are not available or were not evaluated, and the functional significance of this variant is currently unknown. In summary, the available evidence is currently insufficient to determine the role of this variant in disease. Therefore, it has been classified as a Variant of Uncertain Significance.